The following is an entry in ClinVar:

ClinVar aggregate classification (germline): Pathogenic (1 of 4 stars; one submission).

Submission:

GeneDx
Classification: Pathogenic. Last evaluated: 2017-07-17. Review status: criteria provided, single submitter. Criteria: GeneDx Variant Classification (06012015). Collection method: clinical testing. Allele origin: germline. Affected: yes.
Comment: The c.346+1delG splice site variant in the CD40LG gene has been previously reported in association with Immunodeficiency Syndrome with Hyper-IgM, Type 1 (Lee et al., 2005). This variant destroys the canonical splice donor site in intron 3, resulting in exon 3 skipping and a frameshift which creates a premature stop codon at position 108; in vitro functional studies showed that this splice variant resulted in reduced protein levels, supporting a deleterious protein-level effect (Lee et al., 2005). The variant is not observed in large population cohorts (Lek et al., 2016; 1000 Genomes Consortium et al., 2015; Exome Variant Server). Variants at the same splice donor site (c.346+1G>C, c.346+1G>A, c.346+1G>T, c.346+2T>C, c.346+4G>C) have been reported in the Human Gene Mutation Database in association with Immunodeficiency Syndrome with Hyper-IgM, Type 1 (Stenson et al., 2014). In summary, we consider this variant to be pathogenic.

NM_000074.3(CD40LG):c.346+1del

Gene: CD40LG (CD40 ligand; plus strand). Cytogenetic location: Xq26.3.
Variant type: Deletion.
Coding change: c.346+1del on transcript NM_000074.3 (MANE Select); the canonical splice donor site of the intron after coding-DNA position 346, one base deleted (G; older notation c.346+1delG).
Molecular consequence: splice donor variant.
Genome position (GRCh38, 1-based): chrX:136,654,431, G deleted; the last of 2 consecutive G bases (chrX:136,654,430-136,654,431); deleting either gives the same sequence. VCF-style (leftmost placement, unchanged base first): chrX-136654429-AG-A. GRCh37 (hg19) VCF-style: chrX-135736588-AG-A.
Other names: c.346+1delG (NM_000074.2).
Identifiers: ClinVar variation 449466 (VCV000449466.2), dbSNP rs1556139575, ClinGen allele CA658659047.